The following is an entry in ClinVar:

ClinVar aggregate classification (germline): Uncertain significance (1 of 4 stars; one submission).

Conditions:
Dilated cardiomyopathy 1G (CMD1G). Identifiers: Orphanet 154, MedGen C1858763, MONDO:0011400, OMIM 604145.
Autosomal recessive limb-girdle muscular dystrophy type 2J (LGMDR10). Also called: Limb-girdle muscular dystrophy, type 2J; MUSCULAR DYSTROPHY, LIMB-GIRDLE, AUTOSOMAL RECESSIVE 10. Identifiers: Orphanet 140922, MedGen C1837342, MONDO:0012127, OMIM 608807.

Submission:

Labcorp Genetics (formerly Invitae), Labcorp
Classification: Uncertain significance for Dilated cardiomyopathy 1G; Autosomal recessive limb-girdle muscular dystrophy type 2J. Last evaluated: 2023-05-19. Review status: criteria provided, single submitter. Criteria: Invitae Variant Classification Sherloc (09022015). Collection method: clinical testing. Allele origin: germline.
Comment: This variant is located in the Z band of TTN (PMID: 25589632). Variants in this region may be clinically relevant, but have not been definitively shown to cause cardiomyopathy or neuromuscular disease (PMID: 27493940, 32778822). In summary, the available evidence is currently insufficient to determine the role of this variant in disease. Therefore, it has been classified as a Variant of Uncertain Significance. This sequence change falls in intron 2 of the TTN gene. It does not directly change the encoded amino acid sequence of the TTN protein. It affects a nucleotide within the consensus splice site. This variant is not present in population databases (gnomAD no frequency). This variant has not been reported in the literature in individuals affected with TTN-related conditions. Experimental studies and prediction algorithms are not available or were not evaluated, and the functional significance of this variant is currently unknown. Variants that disrupt the consensus splice site are a relatively common cause of aberrant splicing (PMID: 17576681, 9536098). Algorithms developed to predict the effect of sequence changes on RNA splicing suggest that this variant may create or strengthen a splice site.

Literature cited by the submitters: PubMed 25589632; PubMed 27493940; PubMed 32778822; PubMed 17576681; PubMed 9536098.

NM_001267550.2(TTN):c.91+5G>T

Gene: TTN (titin; minus strand). Cytogenetic location: 2q31.2.
Variant type: single nucleotide variant.
Coding change: c.91+5G>T on transcript NM_001267550.2 (MANE Select); 5 bases into the intron after coding-DNA position 91, G replaced by T.
Molecular consequence: intron variant.
Genome position (GRCh38, 1-based): chr2:178,804,547, C>A on the plus strand (G>T on the coding strand, the complement: TTN is on the minus strand). VCF-style: chr2-178804547-C-A. GRCh37 (hg19) VCF-style: chr2-179669274-C-A.
Other names: c.91+5G>T (NM_003319.4, NM_133437.4, NM_133432.3 and 3 more transcripts).
Identifiers: ClinVar variation 2947912 (VCV002947912.3), dbSNP rs2094224224, ClinGen allele CA1310629796.